The following is an entry in ClinVar:

NM_001848.3(COL6A1):c.2669C>T (p.Ser890Leu)

Gene: COL6A1 (collagen type VI alpha 1 chain; plus strand). Cytogenetic location: 21q22.3.
Variant type: single nucleotide variant.
Coding change: c.2669C>T on transcript NM_001848.3 (MANE Select); coding-DNA position 2669, C replaced by T.
Protein change: p.Ser890Leu; replaces serine 890 with leucine.
Molecular consequence: missense variant.
Genome position (GRCh38, 1-based): chr21:46,003,595, C>T. VCF-style: chr21-46003595-C-T. GRCh37 (hg19) VCF-style: chr21-47423509-C-T.
Identifiers: ClinVar variation 93865 (VCV000093865.27), dbSNP rs13051496, ClinGen allele CA147386.

ClinVar aggregate classification (germline): Benign/Likely benign. Review status: criteria provided, multiple submitters, no conflicts (2 of 4 stars). 12 submissions from 12 submitters: Benign (9); Likely benign (1). 2 of the submissions do not count toward it. Last evaluated 2026-02-03.

Conditions:
Collagen 6-related myopathy. Identifiers: MedGen CN117976, MONDO:0100225.
Bethlem myopathy 1A. Also called: MYOPATHY, BENIGN CONGENITAL, WITH CONTRACTURES; Bethlem myopathy 1; Bethlem Muscular Dystrophy. Identifiers: Orphanet 610, MedGen CN029274, MONDO:0024530, OMIM 158810.

Allele frequency attached by ClinVar (database versions not stated): 1000 Genomes Project 0.10883; gnomAD 0.15479 and 0.15356; gnomAD exomes 0.16134 and 0.20286; ESP Exome Variant Server 0.16187; ExAC 0.16260; TOPMed 0.14253; 1000 Genomes Project 30x 0.10650.
gnomAD v4.1: 318,698 of 1,612,760 alleles (20%); highest among the groups gnomAD compares: Non-Finnish European, 22%; 34,145 homozygotes.

Submissions (12):

Labcorp Genetics (formerly Invitae), Labcorp
Classification: Benign for Bethlem myopathy 1A. Last evaluated: 2026-02-03. Review status: criteria provided, single submitter. Criteria: Invitae Variant Classification Sherloc (09022015). Collection method: clinical testing. Allele origin: germline.

Blueprint Genetics
Classification: Likely benign. Last evaluated: 2024-11-28. Review status: criteria provided, single submitter. Criteria: ACMG Guidelines, 2015. Collection method: clinical testing. Allele origin: germline.

Athena Diagnostics
Classification: Benign. Last evaluated: 2021-06-04. Review status: criteria provided, single submitter. Criteria: Athena Diagnostics Criteria. Collection method: clinical testing. Allele origin: unknown.

Illumina Laboratory Services, Illumina
Classification: Benign for Collagen VI-related myopathy. Last evaluated: 2018-01-12. Review status: criteria provided, single submitter. Criteria: ICSL Variant Classification Criteria 13 December 2019. Collection method: clinical testing. Allele origin: germline.
Comment: This variant was observed in the ICSL laboratory as part of a predisposition screen in an ostensibly healthy population. It had not been previously curated by ICSL or reported in the Human Gene Mutation Database (HGMD: prior to June 1st, 2018), and was therefore a candidate for classification through an automated scoring system. Utilizing variant allele frequency, disease prevalence and penetrance estimates, and inheritance mode, an automated score was calculated to assess if this variant is too frequent to cause the disease. Based on the score and internal cut-off values, a variant classified as benign is not then subjected to further curation. The score for this variant resulted in a classification of benign for this disease.

GeneDx
Classification: Benign. Last evaluated: 2017-10-19. Review status: criteria provided, single submitter. Criteria: GeneDx Variant Classification (06012015). Collection method: clinical testing. Allele origin: germline. Affected: yes.
Comment: This variant is considered likely benign or benign based on one or more of the following criteria: it is a conservative change, it occurs at a poorly conserved position in the protein, it is predicted to be benign by multiple in silico algorithms, and/or has population frequency not consistent with disease.

Mayo Clinic Laboratories, Mayo Clinic
Classification: Benign. Last evaluated: 2017-07-24. Review status: criteria provided, single submitter. Criteria: ACMG Guidelines, 2015. Collection method: clinical testing. Allele origin: germline. Observed: 215 variant alleles.

Eurofins Ntd Llc (ga)
Classification: Benign. Last evaluated: 2014-10-14. Review status: criteria provided, single submitter. Criteria: EGL Classification Definitions 2015. Collection method: clinical testing. Allele origin: germline. Observed: 31 variant alleles, 27 heterozygotes, 4 homozygotes.

Genetic Services Laboratory, University of Chicago
Classification: Benign for AllHighlyPenetrant. Last evaluated: 2013-08-15. Review status: criteria provided, single submitter. Criteria: ACMG Guidelines, 2007. Collection method: clinical testing. Allele origin: germline.

Breakthrough Genomics
Classification: Benign. Review status: criteria provided, single submitter. Criteria: ACMG Guidelines, 2015. Collection method: not provided. Allele origin: germline. Inheritance: Autosomal recessive inheritance. Affected: yes.

PreventionGenetics, part of Exact Sciences
Classification: Benign. Review status: criteria provided, single submitter. Criteria: ACMG Guidelines, 2015. Collection method: clinical testing. Allele origin: germline.

Clinical Genetics, Academic Medical Center
Classification: Benign. Review status: no assertion criteria provided. Collection method: clinical testing. Allele origin: germline. Affected: yes. Study: VKGL Data-share Consensus. Not counted in ClinVar's aggregate classification.

Joint Genome Diagnostic Labs from Nijmegen and Maastricht, Radboudumc and MUMC+
Classification: Benign. Review status: no assertion criteria provided. Collection method: clinical testing. Allele origin: germline. Affected: yes. Study: VKGL Data-share Consensus. Not counted in ClinVar's aggregate classification.